The following is an entry in ClinVar:

NM_000051.4(ATM):c.7846A>T (p.Met2616Leu)

Genes: ATM (ATM serine/threonine kinase; plus strand), C11orf65 (chromosome 11 open reading frame 65; minus strand). Cytogenetic location: 11q22.3.
Variant type: single nucleotide variant.
Coding change: c.7846A>T on transcript NM_000051.4 (MANE Select); coding-DNA position 7846, A replaced by T.
Protein change: p.Met2616Leu; replaces methionine 2616 with leucine.
Molecular consequence: missense variant. On other transcripts: intron variant (2).
Genome position (GRCh38, 1-based): chr11:108,332,819, A>T. VCF-style: chr11-108332819-A-T. GRCh37 (hg19) VCF-style: chr11-108203546-A-T.
Other names: c.7846A>T, p.Met2616Leu (NM_001351834.2); c.641-23748T>A (NM_001330368.2); c.*38+2401T>A (NM_001351110.2); short protein forms M2616L.
Identifiers: ClinVar variation 4618396 (VCV004618396.1).

ClinVar aggregate classification (germline): Uncertain significance (1 of 4 stars; one submission).

Conditions:
Hereditary cancer-predisposing syndrome. Also called: Hereditary Cancer Syndrome; Neoplastic Syndromes, Hereditary; Tumor predisposition; Hereditary neoplastic syndrome. Identifiers: Orphanet 140162, MedGen C0027672, MeSH D009386, MONDO:0015356.

Submission:

Ambry Genetics
Classification: Uncertain significance for Hereditary cancer-predisposing syndrome. Last evaluated: 2025-11-15. Review status: criteria provided, single submitter. Criteria: Ambry Variant Classification Scheme 2023. Collection method: clinical testing. Allele origin: germline.
Comment: The p.M2616L variant (also known as c.7846A>T), located in coding exon 52 of the ATM gene, results from an A to T substitution at nucleotide position 7846. The methionine at codon 2616 is replaced by leucine, an amino acid with highly similar properties. This amino acid position is conserved. In addition, the in silico prediction for this alteration is inconclusive. Based on the available evidence, the clinical significance of this variant remains unclear.